The following is an entry in ClinVar:

ClinVar aggregate classification (germline): Uncertain significance (1 of 4 stars; one submission).

Conditions:
Hereditary cancer-predisposing syndrome. Also called: Neoplastic Syndromes, Hereditary; Tumor predisposition; Hereditary neoplastic syndrome; Hereditary Cancer Syndrome. Identifiers: Orphanet 140162, MedGen C0027672, MeSH D009386, MONDO:0015356.

Submission:

Ambry Genetics
Classification: Uncertain significance for Hereditary cancer-predisposing syndrome. Last evaluated: 2025-05-10. Review status: criteria provided, single submitter. Criteria: Ambry Variant Classification Scheme 2023. Collection method: clinical testing. Allele origin: germline.
Comment: The c.1875_1877delAGTins26 variant, located in coding exon 6 of the MET gene, results from the deletion of 3 nucleotides and insertion of 26 nucleotides causing a translational frameshift with a predicted alternate stop codon (p.V626Gfs*13). This alteration is expected to result in loss of function by premature protein truncation or nonsense-mediated mRNA decay. However, loss of function of MET has not been established as a mechanism of disease. Based on the available evidence, the clinical significance of this alteration remains unclear.

NM_000245.4(MET):c.1875_1877delinsTGGAAAAAATGCACAGGACTTATTCA (p.Val626fs)

Gene: MET (MET proto-oncogene, receptor tyrosine kinase; plus strand). Cytogenetic location: 7q31.2.
Variant type: Indel.
Coding change: c.1875_1877delinsTGGAAAAAATGCACAGGACTTATTCA on transcript NM_000245.4 (MANE Select); coding-DNA positions 1875 to 1877, AGT replaced by TGGAAAAAATGCACAGGACTTATTCA.
Protein change: p.Val626fs; shifts the reading frame from valine 626.
Molecular consequence: frameshift variant.
Genome position (GRCh38, 1-based): chr7:116,757,449-116,757,451, AGT replaced by TGGAAAAAATGCACAGGACTTATTCA. VCF-style: chr7-116757449-AGT-TGGAAAAAATGCACAGGACTTATTCA. GRCh37 (hg19) VCF-style: chr7-116397503-AGT-TGGAAAAAATGCACAGGACTTATTCA.
Other names: c.1875_1877delinsTGGAAAAAATGCACAGGACTTATTCA, p.Val626fs (NM_001127500.3, NM_001324401.3); c.585_587delinsTGGAAAAAATGCACAGGACTTATTCA, p.Val196fs (NM_001324402.2); short protein forms V626fs, V196fs.
Identifiers: ClinVar variation 4053950 (VCV004053950.1).
Genomic context (GRCh38, chr7:116,757,449, plus strand): 5'-AAAATTCCTTGGATTTGTCATGTATTAAACTTTGGGTTTTTTTTCCAGATTGAAATGCAC[AGT>TGGAAAAAATGCACAGGACTTATTCA]TGGTCCTGCCATGAATAAGCATTTCAATATGTCCATAATTATTTCAAATGGCCACGGGAC-3'